The following is an entry in ClinVar:

NC_000004.11:g.(?_151186874)_(151247070_?)dup

Gene: LRBA (LPS responsive beige-like anchor protein; minus strand). Cytogenetic location: 4q31.3.
Variant type: Duplication.
Identifiers: ClinVar variation 1429729 (VCV001429729.4).

ClinVar aggregate classification (germline): Uncertain significance (1 of 4 stars; one submission).

Conditions:
Combined immunodeficiency due to LRBA deficiency. Also called: Common variable immunodeficiency 8, with autoimmunity. Identifiers: Orphanet 445018, MedGen C3553512, MONDO:0013863, OMIM 614700.

Submission:

Labcorp Genetics (formerly Invitae), Labcorp
Classification: Uncertain significance for Combined immunodeficiency due to LRBA deficiency. Last evaluated: 2021-07-18. Review status: criteria provided, single submitter. Criteria: Invitae Variant Classification Sherloc (09022015). Collection method: clinical testing. Allele origin: germline.
Comment: In summary, the available evidence is currently insufficient to determine the role of this variant in disease. Therefore, it has been classified as a Variant of Uncertain Significance. This variant has not been reported in the literature in individuals affected with LRBA-related conditions. This variant results in a copy number gain of the genomic region encompassing exon(s) 50-58 of the LRBA gene. The 5' boundary is likely confined to intron 49. The 3' end of this event is unknown as it extends beyond the assayed region for this gene and therefore may encompass additional genes. As the precise location of this event is unknown, it may be in tandem or it may be located elsewhere in the genome.